The following is an entry in ClinVar:

ClinVar aggregate classification (germline): Uncertain significance (1 of 4 stars; one submission).

Conditions:
Wilson disease (WND). Also called: Wilson's disease. Identifiers: Orphanet 905, MedGen C0019202, MONDO:0010200, OMIM 277900. Disease mechanism: loss of function.

Allele frequency attached by ClinVar (database versions not stated): gnomAD exomes below 0.00001; gnomAD 0.00001; 1000 Genomes Project 0.00020; 1000 Genomes Project 30x 0.00031.
gnomAD v4.1: 3 of 1,613,980 alleles (0.00019%); highest among the groups gnomAD compares: African/African-American, 0.0027%; no homozygotes.

Submission:

Labcorp Genetics (formerly Invitae), Labcorp
Classification: Uncertain significance for Wilson disease. Last evaluated: 2025-01-27. Review status: criteria provided, single submitter. Criteria: Invitae Variant Classification Sherloc (09022015). Collection method: clinical testing. Allele origin: germline.
Comment: This sequence change replaces glutamine, which is neutral and polar, with arginine, which is basic and polar, at codon 353 of the ATP7B protein (p.Gln353Arg). This variant is not present in population databases (gnomAD no frequency). This variant has not been reported in the literature in individuals affected with ATP7B-related conditions. ClinVar contains an entry for this variant (Variation ID: 1400624). Invitae Evidence Modeling of protein sequence and biophysical properties (such as structural, functional, and spatial information, amino acid conservation, physicochemical variation, residue mobility, and thermodynamic stability) indicates that this missense variant is not expected to disrupt ATP7B protein function with a negative predictive value of 80%. In summary, the available evidence is currently insufficient to determine the role of this variant in disease. Therefore, it has been classified as a Variant of Uncertain Significance.

NM_000053.4(ATP7B):c.1058A>G (p.Gln353Arg)

Gene: ATP7B (ATPase copper transporting beta; minus strand). Cytogenetic location: 13q14.3.
Variant type: single nucleotide variant.
Coding change: c.1058A>G on transcript NM_000053.4 (MANE Select); coding-DNA position 1058, A replaced by G.
Protein change: p.Gln353Arg; replaces glutamine 353 with arginine.
Molecular consequence: missense variant. On other transcripts: intron variant (1).
Genome position (GRCh38, 1-based): chr13:51,974,162, T>C on the plus strand (A>G on the coding strand, the complement: ATP7B is on the minus strand). VCF-style: chr13-51974162-T-C. GRCh37 (hg19) VCF-style: chr13-52548298-T-C.
Other names: c.1058A>G, p.Gln353Arg (NM_001005918.3, NM_001330578.2, NM_001330579.2); c.803-78A>G (NM_001243182.2); short protein forms Q353R.
Identifiers: ClinVar variation 1400624 (VCV001400624.6), dbSNP rs532441558, ClinGen allele CA250066903.